The following is an entry in ClinVar:

ClinVar aggregate classification (germline): Conflicting classifications of pathogenicity. Review status: criteria provided, conflicting classifications (1 of 4 stars). 3 submissions from 3 submitters: Likely pathogenic (2); Uncertain significance (1). Last evaluated 2026-08-13.

Conditions:
Juvenile retinoschisis (RS1). Also called: X-linked retinoschisis; X-Linked Juvenile Retinoschisis. Identifiers: Orphanet 792, MedGen C3714753, MONDO:0010725, OMIM 312700.

Submissions (3):

Myriad Genetics, Inc.
Classification: Uncertain significance for Juvenile retinoschisis. Last evaluated: 2026-08-13. Review status: criteria provided, single submitter. Criteria: Myriad Autosomal Dominant, Autosomal Recessive and X-Linked Classification Criteria (2023). Collection method: clinical testing. Allele origin: unknown.
Comment: NM_000330.3(RS1):c.544C>G(R182G) is a missense variant classified as a variant of uncertain significance in the context of X-linked juvenile retinoschisis. R182G has not been observed in cases with relevant disease. Relevant functional assessments of this variant are not available in the literature. R182G has not been observed in referenced population frequency databases. In summary, there is insufficient evidence to classify NM_000330.3(RS1):c.544C>G(R182G) as pathogenic or benign. Please note: this variant was assessed in the context of healthy population screening.

Labcorp Genetics (formerly Invitae), Labcorp
Classification: Likely pathogenic. Last evaluated: 2024-04-13. Review status: criteria provided, single submitter. Criteria: Invitae Variant Classification Sherloc (09022015). Collection method: clinical testing. Allele origin: germline.
Comment: This sequence change replaces arginine, which is basic and polar, with glycine, which is neutral and non-polar, at codon 182 of the RS1 protein (p.Arg182Gly). This variant is not present in population databases (gnomAD no frequency). This variant has not been reported in the literature in individuals affected with RS1-related conditions. ClinVar contains an entry for this variant (Variation ID: 1518117). Advanced modeling of protein sequence and biophysical properties (such as structural, functional, and spatial information, amino acid conservation, physicochemical variation, residue mobility, and thermodynamic stability) performed at Invitae indicates that this missense variant is expected to disrupt RS1 protein function with a positive predictive value of 95%. This variant disrupts the p.Arg182 amino acid residue in RS1. Other variant(s) that disrupt this residue have been determined to be pathogenic (PMID: 9618178, 30652005). This suggests that this residue is clinically significant, and that variants that disrupt this residue are likely to be disease-causing. In summary, the currently available evidence indicates that the variant is pathogenic, but additional data are needed to prove that conclusively. Therefore, this variant has been classified as Likely Pathogenic.

Fulgent Genetics
Classification: Likely pathogenic for Juvenile retinoschisis. Last evaluated: 2023-12-30. Review status: criteria provided, single submitter. Criteria: ACMG Guidelines, 2015. Collection method: clinical testing. Allele origin: germline.

Literature cited by the submitters: PubMed 9618178 (cited by Labcorp Genetics (formerly Invitae), Labcorp); PubMed 30652005 (cited by Labcorp Genetics (formerly Invitae), Labcorp).

NM_000330.4(RS1):c.544C>G (p.Arg182Gly)

Genes: CDKL5 (cyclin dependent kinase like 5; plus strand), RS1 (retinoschisin 1; minus strand). Cytogenetic location: Xp22.13.
Variant type: single nucleotide variant.
Coding change: c.544C>G on transcript NM_000330.4 (MANE Select); coding-DNA position 544, C replaced by G.
Protein change: p.Arg182Gly; replaces arginine 182 with glycine.
Molecular consequence: missense variant. On other transcripts: intron variant (2).
Genome position (GRCh38, 1-based): chrX:18,642,135, G>C on the plus strand (C>G on the coding strand, the complement: RS1 is on the minus strand). VCF-style: chrX-18642135-G-C. GRCh37 (hg19) VCF-style: chrX-18660255-G-C.
Other names: c.2714-3872G>C (NM_003159.3, NM_001037343.2); short protein forms R182G.
Identifiers: ClinVar variation 1518117 (VCV001518117.8), dbSNP rs61753171, ClinGen allele CA412370538.
Genomic context (GRCh38, chrX:18,642,135, plus strand): 5'-TGAGGCGGATGAAGCGGGAGATGATGGGGGGCCGCAGCAGGTTCTGAACCGTGGAGGTGC[G>C]GTCCGAGTTGCCATAGAAGACCTAGAGAGATAGAGGAAATCCTGTCACCATCACATCGGG-3'
Protein context (NP_000321.1, residues 172-192): NNRVFYGNSD[Arg182Gly]TSTVQNLLRP